The following is an entry in ClinVar:

NM_000368.5(TSC1):c.1916G>A (p.Gly639Asp)

Gene: TSC1 (TSC complex subunit 1; minus strand). Cytogenetic location: 9q34.13.
Variant type: single nucleotide variant.
Coding change: c.1916G>A on transcript NM_000368.5 (MANE Select); coding-DNA position 1916, G replaced by A.
Protein change: p.Gly639Asp; replaces glycine 639 with aspartic acid.
Molecular consequence: missense variant.
Genome position (GRCh38, 1-based): chr9:132,905,662, C>T on the plus strand (G>A on the coding strand, the complement: TSC1 is on the minus strand). VCF-style: chr9-132905662-C-T. GRCh37 (hg19) VCF-style: chr9-135781049-C-T.
Other names: c.1913G>A, p.Gly638Asp (NM_001162426.2); c.1763G>A, p.Gly588Asp (NM_001162427.2); c.1553G>A, p.Gly518Asp (NM_001362177.2); short protein forms G639D, G588D, G518D, G638D.
Identifiers: ClinVar variation 466050 (VCV000466050.18), dbSNP rs372583166, ClinGen allele CA030082.

ClinVar aggregate classification (germline): Conflicting classifications of pathogenicity. Review status: criteria provided, conflicting classifications (1 of 4 stars). 6 submissions from 6 submitters: Uncertain significance (4); Likely benign (2). Last evaluated 2026-07-07.

Conditions:
Lymphangiomyomatosis (LAM). Also called: Lymphangioleiomyomatosis, somatic; Lymphangioleiomyomatosis. Identifiers: Orphanet 538, MedGen C0751674, MONDO:0011705, OMIM 606690.
Tuberous sclerosis 1 (TSC1). Identifiers: Orphanet 805, MedGen C1854465, MONDO:0008612, OMIM 191100.
Isolated focal cortical dysplasia type II (FCORD2). Also called: CORTICAL DYSPLASIA OF TAYLOR; Focal cortical dysplasia type II. Identifiers: Orphanet 268994, MedGen C1846385, MONDO:0011818, OMIM 607341, HP:0032051.
Hereditary cancer-predisposing syndrome. Also called: Neoplastic Syndromes, Hereditary; Hereditary neoplastic syndrome; Hereditary Cancer Syndrome; Tumor predisposition. Identifiers: Orphanet 140162, MedGen C0027672, MeSH D009386, MONDO:0015356.

gnomAD v4.1: 1 of 1,614,236 alleles (0.000062%); highest among the groups gnomAD compares: Non-Finnish European, 0.000085%; no homozygotes.

Submissions (6):

Ambry Genetics
Classification: Likely benign for Hereditary cancer-predisposing syndrome. Last evaluated: 2026-07-07. Review status: criteria provided, single submitter. Criteria: Ambry Variant Classification Scheme 2023. Collection method: clinical testing. Allele origin: germline.

Labcorp Genetics (formerly Invitae), Labcorp
Classification: Likely benign for Tuberous sclerosis 1. Last evaluated: 2026-01-10. Review status: criteria provided, single submitter. Criteria: Invitae Variant Classification Sherloc (09022015). Collection method: clinical testing. Allele origin: germline.

Quest Diagnostics Nichols Institute San Juan Capistrano
Classification: Uncertain significance. Last evaluated: 2025-01-16. Review status: criteria provided, single submitter. Criteria: Quest Diagnostics criteria. Collection method: clinical testing. Allele origin: unknown.

Clinical Genomics Laboratory, Washington University in St. Louis
Classification: Uncertain significance for Tuberous sclerosis 1. Last evaluated: 2024-10-29. Review status: criteria provided, single submitter. Criteria: ACMG Guidelines, 2015. Collection method: clinical testing. Allele origin: germline.
Comment: A TSC1 c.1916G>A (p.Gly639Asp) variant was identified at a near heterozygous allelic fraction of 49.54%, a frequency which may be consistent with it being of germline origin. To our knowledge, this variant has not been reported in the medical literature. This variant is only observed on 1/1,614,236 alleles in the general population (gnomAD v.4.1.0), indicating it is not a common variant. This variant has been reported in the ClinVar database as a variant of uncertain significance by two submitters and as likely benign by one submitter (ClinVar ID: 466050). Computational predictors suggest that this variant does not impact TSC1 function. Due to limited information, and based on the ACMG/AMP guidelines for variant interpretation (Richards S et al., PMID: 25741868), the clinical significance of this variant is uncertain at this time.

Fulgent Genetics
Classification: Uncertain significance for Tuberous sclerosis 1; Lymphangiomyomatosis; Isolated focal cortical dysplasia type II. Last evaluated: 2024-04-07. Review status: criteria provided, single submitter. Criteria: ACMG Guidelines, 2015. Collection method: clinical testing. Allele origin: germline.

Genome-Nilou Lab
Classification: Uncertain significance for Tuberous sclerosis 1. Last evaluated: 2021-11-07. Review status: criteria provided, single submitter. Criteria: ACMG Guidelines, 2015. Collection method: clinical testing. Allele origin: germline. Affected: no.